The following is an entry in ClinVar:

NM_018013.4(SOBP):c.1893G>A (p.Pro631=)

Gene: SOBP (sine oculis binding protein homolog; plus strand). Cytogenetic location: 6q21.
Variant type: single nucleotide variant.
Coding change: c.1893G>A on transcript NM_018013.4 (MANE Select); coding-DNA position 1893, G replaced by A.
Protein change: p.Pro631=; no amino-acid change (proline 631 retained).
Molecular consequence: synonymous variant.
Genome position (GRCh38, 1-based): chr6:107,634,737, G>A. VCF-style: chr6-107634737-G-A. GRCh37 (hg19) VCF-style: chr6-107955941-G-A.
Identifiers: ClinVar variation 2656818 (VCV002656818.24), dbSNP rs1177814024, ClinGen allele CA451581698.

ClinVar aggregate classification (germline): Likely benign (1 of 4 stars; one submission).

Allele frequency attached by ClinVar (database versions not stated): TOPMed below 0.00001.
gnomAD v4.1: 2 of 1,339,018 alleles (0.00015%); highest among the groups gnomAD compares: Non-Finnish European, 0.000095%; no homozygotes.

Submission:

CeGaT Center for Human Genetics Tuebingen
Classification: Likely benign. Last evaluated: 2023-05-01. Review status: criteria provided, single submitter. Criteria: CeGaT Center For Human Genetics Tuebingen Variant Classification Criteria Version 2. Collection method: clinical testing. Allele origin: germline. Affected: yes. Observed: 1 variant allele.
Comment: SOBP: PM2:Supporting, BP4, BP7